The following is an entry in ClinVar:

ClinVar aggregate classification (germline): Uncertain significance (1 of 4 stars; one submission).

Submission:

Labcorp Genetics (formerly Invitae), Labcorp
Classification: Uncertain significance. Last evaluated: 2021-12-29. Review status: criteria provided, single submitter. Criteria: Invitae Variant Classification Sherloc (09022015). Collection method: clinical testing. Allele origin: germline.
Comment: This variant has not been reported in the literature in individuals affected with KIAA1549-related conditions. This variant is not present in population databases (gnomAD no frequency). This sequence change falls in intron 18 of the KIAA1549 gene. It does not directly change the encoded amino acid sequence of the KIAA1549 protein. It affects a nucleotide within the consensus splice site. In summary, the available evidence is currently insufficient to determine the role of this variant in disease. Therefore, it has been classified as a Variant of Uncertain Significance. Variants that disrupt the consensus splice site are a relatively common cause of aberrant splicing (PMID: 17576681, 9536098). Algorithms developed to predict the effect of sequence changes on RNA splicing suggest that this variant may create or strengthen a splice site.

Literature cited by the submitters: PubMed 17576681; PubMed 9536098.

NM_001164665.2(KIAA1549):c.5452+5A>G

Gene: KIAA1549 (KIAA1549; minus strand). Cytogenetic location: 7q34.
Variant type: single nucleotide variant.
Coding change: c.5452+5A>G on transcript NM_001164665.2 (MANE Select); 5 bases into the intron after coding-DNA position 5452, A replaced by G.
Molecular consequence: intron variant.
Genome position (GRCh38, 1-based): chr7:138,844,312, T>C on the plus strand (A>G on the coding strand, the complement: KIAA1549 is on the minus strand). VCF-style: chr7-138844312-T-C. GRCh37 (hg19) VCF-style: chr7-138529057-T-C.
Other names: c.5452+5A>G (NM_020910.3).
Identifiers: ClinVar variation 1974659 (VCV001974659.5), dbSNP rs2130333683, ClinGen allele CA2580077496.